The following is an entry in ClinVar:

ClinVar aggregate classification (germline): Likely pathogenic. Review status: criteria provided, multiple submitters, no conflicts (2 of 4 stars). 2 submissions from 2 submitters: Likely pathogenic (2). Last evaluated 2025-10-21.

Conditions:
Fanconi anemia (FA). Also called: Fanconi's anemia. Identifiers: Orphanet 84, MedGen C0015625, MeSH D005199, MONDO:0019391.
Fanconi anemia complementation group I (FANCI). Also called: FANCI-Related Fanconi Anemia. Identifiers: Orphanet 84, MedGen C1836861, MONDO:0012186, OMIM 609053.

Allele frequency attached by ClinVar (database versions not stated): ExAC 0.00001; gnomAD exomes 0.00001.
gnomAD v4.1: 11 of 1,612,820 alleles (0.00068%); highest among the groups gnomAD compares: South Asian, 0.0022%; no homozygotes.

Submissions (2):

Labcorp Genetics (formerly Invitae), Labcorp
Classification: Likely pathogenic for Fanconi anemia. Last evaluated: 2025-10-21. Review status: criteria provided, single submitter. Criteria: Invitae Variant Classification Sherloc (09022015). Collection method: clinical testing. Allele origin: germline.
Comment: This sequence change affects an acceptor splice site in intron 25 of the FANCI gene. It is expected to disrupt RNA splicing. Variants that disrupt the donor or acceptor splice site typically lead to a loss of protein function (PMID: 16199547), and loss-of-function variants in FANCI are known to be pathogenic (PMID: 17452773, 17460694). This variant is present in population databases (rs747291682, gnomAD 0.003%). This variant has not been reported in the literature in individuals affected with FANCI-related conditions. ClinVar contains an entry for this variant (Variation ID: 2675626). Algorithms developed to predict the effect of sequence changes on RNA splicing suggest that this variant may disrupt the consensus splice site. In summary, the currently available evidence indicates that the variant is pathogenic, but additional data are needed to prove that conclusively. Therefore, this variant has been classified as Likely Pathogenic.

Baylor Genetics
Classification: Likely pathogenic for Fanconi anemia complementation group I. Last evaluated: 2023-04-13. Review status: criteria provided, single submitter. Criteria: ACMG Guidelines, 2015. Collection method: clinical testing. Allele origin: unknown.

Literature cited by the submitters: PubMed 16199547 (cited by Labcorp Genetics (formerly Invitae), Labcorp); PubMed 17452773 (cited by Labcorp Genetics (formerly Invitae), Labcorp); PubMed 17460694 (cited by Labcorp Genetics (formerly Invitae), Labcorp).

NM_001113378.2(FANCI):c.2804-2A>G

Gene: FANCI (FA complementation group I; plus strand). Cytogenetic location: 15q26.1.
Variant type: single nucleotide variant.
Coding change: c.2804-2A>G on transcript NM_001113378.2 (MANE Select); the canonical splice acceptor site of the intron before coding-DNA position 2804, A replaced by G.
Molecular consequence: splice acceptor variant.
Genome position (GRCh38, 1-based): chr15:89,300,298, A>G. VCF-style: chr15-89300298-A-G. GRCh37 (hg19) VCF-style: chr15-89843529-A-G.
Other names: c.2624-2A>G (NM_018193.3); c.2804-2A>G (NM_001376911.1); c.2525-2A>G (NM_001376910.1).
Identifiers: ClinVar variation 2675626 (VCV002675626.2), dbSNP rs747291682, ClinGen allele CA7723476.
Genomic context (GRCh38, chr15:89,300,298, plus strand): 5'-TTAAAAGGCCAAAAAGTATGAGTTTATATCAAAGAAGACAAGAGTTTCTTTTCCATTCCT[A>G]GATGTCACAGATAAGGAAGGAGAAGAGAGAGAAGATGCAGATGTCAGTGTCACTCAGAGA-3'